The following is an entry in ClinVar:

ClinVar aggregate classification (germline): Uncertain significance. Review status: criteria provided, multiple submitters, no conflicts (2 of 4 stars). 5 submissions from 5 submitters: Uncertain significance (5). Last evaluated 2026-06-04.

Conditions:
Achondroplasia (ACH). Also called: Achondroplastic dwarfism. Identifiers: Orphanet 15, MedGen C0001080, MONDO:0007037, OMIM 100800. Disease mechanism: gain of function.
Levy-Hollister syndrome (LADD). Also called: LADD syndrome. Identifiers: Orphanet 2363, MedGen C0265269, MONDO:0007872.
Thanatophoric dysplasia type 1 (TD1). Also called: PLATYSPONDYLIC LETHAL SKELETAL DYSPLASIA, SAN DIEGO TYPE; Thanatophoric Dysplasia Type 1 (TD Type 1); LETHAL SHORT-LIMBED PLATYSPONDYLIC DWARFISM, SAN DIEGO TYPE. Identifiers: Orphanet 1860, Orphanet 2655, MedGen C1868678, MONDO:0008546, OMIM 187600. Disease mechanism: gain of function.
Thanatophoric dysplasia, type 2 (TD2). Also called: THANATOPHORIC DYSPLASIA WITH KLEEBLATTSCHAEDEL; THANATOPHORIC DYSPLASIA WITH STRAIGHT FEMURS AND CLOVERLEAF SKULL; Thanatophoric Dysplasia Type 2 (TD Type 2); CLOVERLEAF SKULL WITH THANATOPHORIC DWARFISM. Identifiers: Orphanet 2655, Orphanet 93274, MedGen C1300257, MONDO:0008547, OMIM 187601. Disease mechanism: gain of function.
Epidermal nevus. Also called: NEVUS, KERATINOCYTIC, NONEPIDERMOLYTIC; Nevus, epidermal, somatic. Identifiers: Orphanet 79414, MedGen C0334082, MONDO:0008093, OMIM 162900, HP:0010816.
Colorectal cancer. Also called: Colorectal cancer, somatic; Malignant Colorectal Neoplasm. Identifiers: MedGen C0346629, MONDO:0005575, OMIM 114500.
Camptodactyly-tall stature-scoliosis-hearing loss syndrome. Also called: CATSHL SYNDROME. Identifiers: Orphanet 85164, MedGen C1864852, MONDO:0012504, OMIM 610474.
Cervical cancer. Also called: Cervix cancer; Cancer of cervix; Cervical cancer, somatic. Identifiers: MedGen C4048328, MONDO:0002974, OMIM 603956, HP:0030079.
Muenke syndrome (MNKES). Also called: MUENKE NONSYNDROMIC CORONAL CRANIOSYNOSTOSIS. Identifiers: Orphanet 53271, MedGen C1864436, MONDO:0011274, OMIM 602849.
Malignant tumor of urinary bladder. Also called: Urinary Bladder Neoplasms; Urinary bladder cancer; Bladder cancer. Identifiers: MedGen C0005684, MONDO:0001187, OMIM 109800.
Severe achondroplasia-developmental delay-acanthosis nigricans syndrome. Also called: Severe achondroplasia with developmental delay and acanthosis nigricans; SADDAN dysplasia. Identifiers: Orphanet 85165, MedGen C2674173, MONDO:0014658, OMIM 616482.
Germ cell tumor of testis (TGCT). Also called: Testicular germ cell tumor; GERM CELL TUMOR, SOMATIC. Identifiers: Orphanet 363504, MedGen C1336708, MONDO:0010108, OMIM 273300.
Crouzon syndrome-acanthosis nigricans syndrome. Also called: CROUZONODERMOSKELETAL SYNDROME. Identifiers: Orphanet 93262, MedGen C2677099, MONDO:0012833, OMIM 612247.
Hypochondroplasia (HCH). Identifiers: Orphanet 429, MedGen C0410529, MONDO:0007793, OMIM 146000. Disease mechanism: gain of function.
FGFR3-related disorder. Also called: FGFR3-related disorders.
Inborn genetic diseases. Identifiers: MedGen C0950123, MeSH D030342.

Allele frequency attached by ClinVar (database versions not stated): gnomAD exomes 0.00001; TOPMed 0.00001; gnomAD 0.00002.
gnomAD v4.1: 8 of 1,549,572 alleles (0.00052%); highest among the groups gnomAD compares: African/African-American, 0.0027%; no homozygotes.

Submissions (5):

PreventionGenetics, part of Exact Sciences
Classification: Uncertain significance for FGFR3-related condition. Last evaluated: 2026-06-04. Review status: criteria provided, single submitter. Criteria: ACMG Guidelines, 2015. Collection method: clinical testing. Allele origin: germline.
Comment: The FGFR3 c.1267G>C variant is predicted to result in the amino acid substitution p.Val423Leu. To our knowledge, this variant has not been reported in the literature. This variant is reported in 0.0017% of alleles in individuals of European (Non-Finnish) descent in gnomAD. At this time, the clinical significance of this variant is uncertain due to the absence of conclusive functional and genetic evidence.

Women's Health and Genetics/Laboratory Corporation of America, LabCorp
Classification: Uncertain significance. Last evaluated: 2025-03-12. Review status: criteria provided, single submitter. Criteria: LabCorp Variant Classification Summary - May 2015. Collection method: clinical testing. Allele origin: germline.
Comment: Variant summary: FGFR3 c.1267G>C (p.Val423Leu) results in a conservative amino acid change in the encoded protein sequence. Three of five in-silico tools predict a benign effect of the variant on protein function. Several computational tools predict a significant impact on normal splicing: Two predict the variant weakens a 3' acceptor site. However, these predictions have yet to be confirmed by functional studies. The variant allele was found at a frequency of 6.4e-06 in 156132 control chromosomes. The available data on variant occurrences in the general population are insufficient to allow any conclusion about variant significance. To our knowledge, no occurrence of c.1267G>C in individuals affected with Achondroplasia and no experimental evidence demonstrating its impact on protein function have been reported. ClinVar contains an entry for this variant (Variation ID: 1680065). Based on the evidence outlined above, the variant was classified as uncertain significance.

Labcorp Genetics (formerly Invitae), Labcorp
Classification: Uncertain significance. Last evaluated: 2024-10-05. Review status: criteria provided, single submitter. Criteria: Invitae Variant Classification Sherloc (09022015). Collection method: clinical testing. Allele origin: germline.
Comment: This sequence change replaces valine, which is neutral and non-polar, with leucine, which is neutral and non-polar, at codon 423 of the FGFR3 protein (p.Val423Leu). This variant is present in population databases (no rsID available, gnomAD 0.002%). This variant has not been reported in the literature in individuals affected with FGFR3-related conditions. ClinVar contains an entry for this variant (Variation ID: 1680065). An algorithm developed to predict the effect of missense changes on protein structure and function (PolyPhen-2) suggests that this variant is likely to be tolerated. Algorithms developed to predict the effect of sequence changes on RNA splicing suggest that this variant may disrupt the consensus splice site. In summary, the available evidence is currently insufficient to determine the role of this variant in disease. Therefore, it has been classified as a Variant of Uncertain Significance.

Fulgent Genetics
Classification: Uncertain significance for Achondroplasia; Malignant tumor of urinary bladder; Colorectal cancer; Hypochondroplasia; LADD syndrome 1; Epidermal nevus; Thanatophoric dysplasia type 1; Thanatophoric dysplasia, type 2; Germ cell tumor of testis; Muenke syndrome; Cervical cancer; Camptodactyly-tall stature-scoliosis-hearing loss syndrome; Crouzon syndrome-acanthosis nigricans syndrome; Severe achondroplasia-developmental delay-acanthosis nigricans syndrome. Last evaluated: 2021-08-31. Review status: criteria provided, single submitter. Criteria: ACMG Guidelines, 2015. Collection method: clinical testing. Allele origin: unknown.

Ambry Genetics
Classification: Uncertain significance for Inborn genetic diseases. Last evaluated: 2021-04-09. Review status: criteria provided, single submitter. Criteria: Ambry Variant Classification Scheme 2023. Collection method: clinical testing. Allele origin: germline.
Comment: The c.1267G>C (p.V423L) alteration is located in exon 10 (coding exon 9) of the FGFR3 gene. This alteration results from a G to C substitution at nucleotide position 1267, causing the valine (V) at amino acid position 423 to be replaced by a leucine (L). Based on data from the Genome Aggregation Database (gnomAD) database, the FGFR3 c.1267G>C alteration was observed in 0.0006% (1/156132) of total alleles studied. The p.V423 amino acid is conserved in available vertebrate species. The in silico prediction for the p.V423L alteration is inconclusive. Based on insufficient or conflicting evidence, the clinical significance of this alteration remains unclear.

NM_000142.5(FGFR3):c.1267G>C (p.Val423Leu)

Gene: FGFR3 (fibroblast growth factor receptor 3; plus strand). Cytogenetic location: 4p16.3.
Variant type: single nucleotide variant.
Coding change: c.1267G>C on transcript NM_000142.5 (MANE Select); coding-DNA position 1267, G replaced by C.
Protein change: p.Val423Leu; replaces valine 423 with leucine.
Molecular consequence: missense variant. On other transcripts: non-coding transcript variant (1).
Genome position (GRCh38, 1-based): chr4:1,804,824, G>C. VCF-style: chr4-1804824-G-C. GRCh37 (hg19) VCF-style: chr4-1806551-G-C.
Other names: c.1273G>C, p.Val425Leu (NM_001163213.2); c.1270G>C, p.Val424Leu (NM_001354809.2, NM_001354810.2); c.931G>C, p.Val311Leu (NM_022965.4); short protein forms V311L, V423L, V424L, V425L.
Identifiers: ClinVar variation 1680065 (VCV001680065.12), dbSNP rs1256546303, ClinGen allele CA355979998.